The following is an entry in ClinVar:

NM_001134407.3(GRIN2A):c.2686A>G (p.Lys896Glu)

Gene: GRIN2A (glutamate ionotropic receptor NMDA type subunit 2A; minus strand). Cytogenetic location: 16p13.2.
Variant type: single nucleotide variant.
Coding change: c.2686A>G on transcript NM_001134407.3 (MANE Select); coding-DNA position 2686, A replaced by G.
Protein change: p.Lys896Glu; replaces lysine 896 with glutamic acid.
Molecular consequence: missense variant.
Genome position (GRCh38, 1-based): chr16:9,764,858, T>C on the plus strand (A>G on the coding strand, the complement: GRIN2A is on the minus strand). VCF-style: chr16-9764858-T-C. GRCh37 (hg19) VCF-style: chr16-9858715-T-C.
Other names: c.2686A>G, p.Lys896Glu (NM_000833.5, NM_001134408.2); short protein forms K896E.
Identifiers: ClinVar variation 852834 (VCV000852834.13), dbSNP rs1436853714, ClinGen allele CA394709575.

ClinVar aggregate classification (germline): Uncertain significance. Review status: criteria provided, multiple submitters, no conflicts (2 of 4 stars). 3 submissions from 3 submitters: Uncertain significance (3). Last evaluated 2025-10-27.

Conditions:
Inborn genetic diseases. Identifiers: MedGen C0950123, MeSH D030342.
Landau-Kleffner syndrome (FESD). Also called: APHASIA, ACQUIRED, WITH EPILEPSY; EPILEPSY, FOCAL, WITH SPEECH DISORDER AND WITH OR WITHOUT MENTAL RETARDATION. Identifiers: Orphanet 1945, Orphanet 725, Orphanet 98818, MedGen C0282512, MONDO:0009509, OMIM 245570.

Allele frequency attached by ClinVar (database versions not stated): gnomAD exomes below 0.00001; TOPMed 0.00001; gnomAD 0.00001 and 0.00002.
gnomAD v4.1: 3 of 1,614,080 alleles (0.00019%); highest among the groups gnomAD compares: African/African-American, 0.004%; no homozygotes.

Submissions (3):

Labcorp Genetics (formerly Invitae), Labcorp
Classification: Uncertain significance for Landau-Kleffner syndrome. Last evaluated: 2025-10-27. Review status: criteria provided, single submitter. Criteria: Invitae Variant Classification Sherloc (09022015). Collection method: clinical testing. Allele origin: germline.
Comment: This sequence change replaces lysine, which is basic and polar, with glutamic acid, which is acidic and polar, at codon 896 of the GRIN2A protein (p.Lys896Glu). This variant is present in population databases (no rsID available, gnomAD 0.01%). This variant has not been reported in the literature in individuals affected with GRIN2A-related conditions. ClinVar contains an entry for this variant (Variation ID: 852834). Invitae Evidence Modeling of protein sequence and biophysical properties (such as structural, functional, and spatial information, amino acid conservation, physicochemical variation, residue mobility, and thermodynamic stability) has been performed for this missense variant. However, the output from this modeling did not meet the statistical confidence thresholds required to predict the impact of this variant on GRIN2A protein function. In summary, the available evidence is currently insufficient to determine the role of this variant in disease. Therefore, it has been classified as a Variant of Uncertain Significance.

Ambry Genetics
Classification: Uncertain significance for Inborn genetic diseases. Last evaluated: 2023-12-18. Review status: criteria provided, single submitter. Criteria: Ambry Variant Classification Scheme 2023. Collection method: clinical testing. Allele origin: germline.

GeneDx
Classification: Uncertain significance. Last evaluated: 2019-08-15. Review status: criteria provided, single submitter. Criteria: GeneDx Variant Classification Process June 2021. Collection method: clinical testing. Allele origin: germline. Affected: yes.
Comment: In silico analysis, which includes protein predictors and evolutionary conservation, supports that this variant does not alter protein structure/function; Has not been previously published as pathogenic or benign to our knowledge